The following is an entry in ClinVar:

ClinVar aggregate classification (germline): Uncertain significance (1 of 4 stars; one submission).

gnomAD v4.1: 1 of 1,610,392 alleles (0.000062%); highest among the groups gnomAD compares: Admixed American, 0.0017%; no homozygotes.

Submission:

Labcorp Genetics (formerly Invitae), Labcorp
Classification: Uncertain significance. Last evaluated: 2022-01-12. Review status: criteria provided, single submitter. Criteria: Invitae Variant Classification Sherloc (09022015). Collection method: clinical testing. Allele origin: germline.
Comment: This sequence change replaces glycine, which is neutral and non-polar, with valine, which is neutral and non-polar, at codon 471 of the KCNQ4 protein (p.Gly471Val). In summary, the available evidence is currently insufficient to determine the role of this variant in disease. Therefore, it has been classified as a Variant of Uncertain Significance. Advanced modeling of protein sequence and biophysical properties (such as structural, functional, and spatial information, amino acid conservation, physicochemical variation, residue mobility, and thermodynamic stability) performed at Invitae indicates that this missense variant is not expected to disrupt KCNQ4 protein function. This variant has not been reported in the literature in individuals affected with KCNQ4-related conditions. This variant is not present in population databases (gnomAD no frequency).

NM_004700.4(KCNQ4):c.1412G>T (p.Gly471Val)

Gene: KCNQ4 (potassium voltage-gated channel subfamily Q member 4; plus strand). Cytogenetic location: 1p34.2.
Variant type: single nucleotide variant.
Coding change: c.1412G>T on transcript NM_004700.4 (MANE Select); coding-DNA position 1412, G replaced by T.
Protein change: p.Gly471Val; replaces glycine 471 with valine.
Molecular consequence: missense variant.
Genome position (GRCh38, 1-based): chr1:40,831,203, G>T. VCF-style: chr1-40831203-G-T. GRCh37 (hg19) VCF-style: chr1-41296875-G-T.
Other names: c.1250G>T, p.Gly417Val (NM_172163.3); short protein forms G417V, G471V.
Identifiers: ClinVar variation 2054469 (VCV002054469.4), dbSNP rs2523928701, ClinGen allele CA339886548.